The following is an entry in ClinVar:

ClinVar aggregate classification (germline): Uncertain significance. Review status: criteria provided, multiple submitters, no conflicts (2 of 4 stars). 2 submissions from 2 submitters: Uncertain significance (2). Last evaluated 2024-02-16.

Submissions (2):

Labcorp Genetics (formerly Invitae), Labcorp
Classification: Uncertain significance. Last evaluated: 2024-02-16. Review status: criteria provided, single submitter. Criteria: Invitae Variant Classification Sherloc (09022015). Collection method: clinical testing. Allele origin: germline.
Comment: This variant, c.1900_*42del, is a complex sequence change that results in the deletion of 7 and insertion of 56 amino acid(s) in the CAPN5 protein (p.Ser634_Val640delins56). While this is not anticipated to result in nonsense mediated decay, it is expected to disrupt the last 7 amino acid(s) of the CAPN5 protein. This variant is present in population databases (no rsID available, gnomAD 0.002%). This variant has not been reported in the literature in individuals affected with CAPN5-related conditions. Experimental studies and prediction algorithms are not available or were not evaluated, and the functional significance of this variant is currently unknown. In summary, the available evidence is currently insufficient to determine the role of this variant in disease. Therefore, it has been classified as a Variant of Uncertain Significance.

Blueprint Genetics
Classification: Uncertain significance. Last evaluated: 2023-03-28. Review status: criteria provided, single submitter. Criteria: ACMG Guidelines, 2015. Collection method: clinical testing. Allele origin: germline.

NM_004055.5(CAPN5):c.1900_*42del (p.Ser634_Ter641del)

Gene: CAPN5 (calpain 5; plus strand). Cytogenetic location: 11q13.5.
Variant type: Deletion.
Coding change: c.1900_*42del on transcript NM_004055.5 (MANE Select); coding-DNA position 1900 through 42 bases downstream of the stop codon, 66 bases deleted.
Protein change: p.Ser634_Ter641del.
Molecular consequence: stop lost, inframe deletion. On other transcripts: non-coding transcript variant (1).
Genome position (GRCh38, 1-based): chr11:77,123,847-77,123,912, 66 bases deleted. GRCh37 (hg19): chr11:76,834,893-76,834,958.
Other names: c.2020_*42del, p.Ser674_Ter681del (NM_001425321.1); c.1900_*42del, p.Ser634_Ter641del (NM_001425322.1); c.1768_*42del, p.Ser590_Ter597del (NM_001425323.1).
Identifiers: ClinVar variation 3620696 (VCV003620696.3).